The following is an entry in ClinVar:

ClinVar aggregate classification (germline): Likely benign. Review status: criteria provided, multiple submitters, no conflicts (2 of 4 stars). 2 submissions from 2 submitters: Likely benign (2). Last evaluated 2024-07-12.

Conditions:
BAP1-related tumor predisposition syndrome (TPDS1). Also called: COMMON Syndrome; TUMOR PREDISPOSITION SYNDROME 1; BAP1 tumor predisposition syndrome; Tumor susceptibility linked to germline BAP1 mutations. Identifiers: Orphanet 289539, MedGen C3280492, MONDO:0013692, OMIM 614327.

gnomAD v4.1: 17 of 1,566,190 alleles (0.0011%); highest among the groups gnomAD compares: Non-Finnish European, 0.0014%; no homozygotes.

Submissions (2):

Myriad Genetics, Inc.
Classification: Likely benign for BAP1-related tumor predisposition syndrome. Last evaluated: 2024-07-12. Review status: criteria provided, single submitter. Criteria: Myriad Autosomal Dominant, Autosomal Recessive and X-Linked Classification Criteria (2023). Collection method: clinical testing. Allele origin: unknown.
Comment: This variant is considered likely benign. This variant is intronic and is not expected to impact mRNA splicing.

Labcorp Genetics (formerly Invitae), Labcorp
Classification: Likely benign for BAP1-related tumor predisposition syndrome. Last evaluated: 2024-05-31. Review status: criteria provided, single submitter. Criteria: Invitae Variant Classification Sherloc (09022015). Collection method: clinical testing. Allele origin: germline.

NM_004656.4(BAP1):c.581-17G>T

Gene: BAP1 (BRCA1 associated deubiquitinase 1; minus strand). Cytogenetic location: 3p21.1.
Variant type: single nucleotide variant.
Coding change: c.581-17G>T on transcript NM_004656.4 (MANE Select); 17 bases into the intron before coding-DNA position 581, G replaced by T.
Molecular consequence: intron variant.
Genome position (GRCh38, 1-based): chr3:52,406,924, C>A on the plus strand (G>T on the coding strand, the complement: BAP1 is on the minus strand). VCF-style: chr3-52406924-C-A. GRCh37 (hg19) VCF-style: chr3-52440940-C-A.
Identifiers: ClinVar variation 1617278 (VCV001617278.9), dbSNP rs748765525, ClinGen allele CA2437046.